The following is an entry in ClinVar:

NM_000219.6(KCNE1):c.137A>G (p.Tyr46Cys)

Gene: KCNE1 (potassium voltage-gated channel subfamily E regulatory subunit 1; minus strand). Cytogenetic location: 21q22.12.
Variant type: single nucleotide variant.
Coding change: c.137A>G on transcript NM_000219.6 (MANE Select); coding-DNA position 137, A replaced by G.
Protein change: p.Tyr46Cys; replaces tyrosine 46 with cysteine.
Molecular consequence: missense variant.
Genome position (GRCh38, 1-based): chr21:34,449,498, T>C on the plus strand (A>G on the coding strand, the complement: KCNE1 is on the minus strand). VCF-style: chr21-34449498-T-C. GRCh37 (hg19) VCF-style: chr21-35821796-T-C.
Other names: c.137A>G, p.Tyr46Cys (NM_001127668.4, NM_001127669.4, NM_001127670.4 and 4 more transcripts); short protein forms Y46C.
Identifiers: ClinVar variation 517181 (VCV000517181.11), dbSNP rs1402178514, ClinGen allele CA410198408.

ClinVar aggregate classification (germline): Conflicting classifications of pathogenicity. Review status: criteria provided, conflicting classifications (1 of 4 stars). 3 submissions from 3 submitters: Likely pathogenic (2); Uncertain significance (1). Last evaluated 2023-08-16.

Conditions:
Rare genetic deafness. Identifiers: Orphanet 96210, MedGen C5680250.
Cardiovascular phenotype. Identifiers: MedGen CN230736.

Allele frequency attached by ClinVar (database versions not stated): gnomAD 0.00003.

Submissions (4):

Ambry Genetics
Classification: Uncertain significance for Cardiovascular phenotype. Last evaluated: 2023-08-16. Review status: criteria provided, single submitter. Criteria: Ambry Variant Classification Scheme 2023. Collection method: clinical testing. Allele origin: germline.
Comment: The p.Y46C variant (also known as c.137A>G), located in coding exon 1 of the KCNE1 gene, results from an A to G substitution at nucleotide position 137. The tyrosine at codon 46 is replaced by cysteine, an amino acid with highly dissimilar properties. This alteration has been reported in a long QT syndrome cohort; however, clinical details were limited (Roberts JD et al. Circulation, 2020 Feb;141:429-439). Limited functional studies have suggested this alteration may impact current amplitudes and pore conductance (Wang Y et al. J. Gen. Physiol., 2012 Dec;140:653-69). This amino acid position is highly conserved in available vertebrate species. In addition, this alteration is predicted to be deleterious by in silico analysis. Since supporting evidence is limited at this time, the clinical significance of this alteration remains unclear.

Stanford Center for Inherited Cardiovascular Disease, Stanford University
Classification: Likely pathogenic. Last evaluated: 2017-03-09. Review status: criteria provided, single submitter. Criteria: ACMG Guidelines, 2015. Collection method: provider interpretation. Allele origin: germline.

Laboratory for Molecular Medicine, Mass General Brigham Personalized Medicine
Classification: Likely pathogenic for Rare genetic deafness. Last evaluated: 2017-03-07. Review status: criteria provided, single submitter. Criteria: LMM Criteria. Collection method: clinical testing. Allele origin: germline. Inheritance: Autosomal recessive inheritance. Observed: 4 variant alleles.
Comment: This variant has been identified in 1/3494 Finnish chromosomes by the Genome Aggregation Database (gno mAD). Computational prediction tools and conse rvation analyses suggest that this variant may impact the protein, though this i nformation is not predictive enough to determine pathogenicity. In summary, alth ough additional studies are required to fully establish its clinical significanc e, this variant is likely pathogenic for autosomal recessive JLNS.

Roden Lab, Vanderbilt University Medical Center
No classification provided (evidence only). Condition: Long QT syndrome 5. Review status: no classification provided. Collection method: in vitro. Allele origin: not applicable. Functional consequence: Effect on ion channel function. Not counted in ClinVar's aggregate classification.
ClinVar note: "not provided" was previously submitted as the classification for the variant. However, the classification appeared to be based only on an observation of functional data so it was converted to no classification on 2025-07-30.

Literature cited by the submitters: PubMed 23183700 (cited by Ambry Genetics); PubMed 31941373 (cited by Ambry Genetics).